The following is an entry in ClinVar:

NM_020778.5(ALPK3):c.4816C>G (p.Arg1606Gly)

Gene: ALPK3 (alpha kinase 3; plus strand). Cytogenetic location: 15q25.3.
Variant type: single nucleotide variant.
Coding change: c.4816C>G on transcript NM_020778.5 (MANE Select); coding-DNA position 4816, C replaced by G.
Protein change: p.Arg1606Gly; replaces arginine 1606 with glycine.
Molecular consequence: missense variant.
Genome position (GRCh38, 1-based): chr15:84,868,154, C>G. VCF-style: chr15-84868154-C-G. GRCh37 (hg19) VCF-style: chr15-85411385-C-G.
Other names: short protein forms R1606G.
Identifiers: ClinVar variation 1521968 (VCV001521968.6), dbSNP rs769796609, ClinGen allele CA7710097.

ClinVar aggregate classification (germline): Uncertain significance (1 of 4 stars; one submission).

Submission:

Labcorp Genetics (formerly Invitae), Labcorp
Classification: Uncertain significance. Last evaluated: 2025-06-25. Review status: criteria provided, single submitter. Criteria: Invitae Variant Classification Sherloc (09022015). Collection method: clinical testing. Allele origin: germline.
Comment: This sequence change replaces arginine, which is basic and polar, with glycine, which is neutral and non-polar, at codon 1808 of the ALPK3 protein (p.Arg1808Gly). This variant is present in population databases (rs769796609, gnomAD 0.003%). This variant has not been reported in the literature in individuals affected with ALPK3-related conditions. ClinVar contains an entry for this variant (Variation ID: 1521968). Invitae Evidence Modeling of protein sequence and biophysical properties (such as structural, functional, and spatial information, amino acid conservation, physicochemical variation, residue mobility, and thermodynamic stability) indicates that this missense variant is not expected to disrupt ALPK3 protein function with a negative predictive value of 80%. In summary, the available evidence is currently insufficient to determine the role of this variant in disease. Therefore, it has been classified as a Variant of Uncertain Significance.